The following is an entry in ClinVar:

NM_003322.6(TULP1):c.1267G>A (p.Val423Ile)

Gene: TULP1 (TUB like protein 1; minus strand). Cytogenetic location: 6p21.31.
Variant type: single nucleotide variant.
Coding change: c.1267G>A on transcript NM_003322.6 (MANE Select); coding-DNA position 1267, G replaced by A.
Protein change: p.Val423Ile; replaces valine 423 with isoleucine.
Molecular consequence: missense variant.
Genome position (GRCh38, 1-based): chr6:35,503,615, C>T on the plus strand (G>A on the coding strand, the complement: TULP1 is on the minus strand). VCF-style: chr6-35503615-C-T. GRCh37 (hg19) VCF-style: chr6-35471392-C-T.
Other names: c.1108G>A, p.Val370Ile (NM_001289395.2); short protein forms V423I, V370I.
Identifiers: ClinVar variation 2888478 (VCV002888478.3), dbSNP rs749859066, ClinGen allele CA137281013.

ClinVar aggregate classification (germline): Uncertain significance (1 of 4 stars; one submission).

Allele frequency attached by ClinVar (database versions not stated): gnomAD 0.00001; TOPMed 0.00002.
gnomAD v4.1: 6 of 1,598,378 alleles (0.00038%); highest among the groups gnomAD compares: Admixed American, 0.0017%; no homozygotes.

Submission:

Labcorp Genetics (formerly Invitae), Labcorp
Classification: Uncertain significance. Last evaluated: 2024-11-18. Review status: criteria provided, single submitter. Criteria: Invitae Variant Classification Sherloc (09022015). Collection method: clinical testing. Allele origin: germline.
Comment: This sequence change replaces valine, which is neutral and non-polar, with isoleucine, which is neutral and non-polar, at codon 423 of the TULP1 protein (p.Val423Ile). The frequency data for this variant in the population databases is considered unreliable, as metrics indicate poor data quality at this position in the gnomAD database. This variant has not been reported in the literature in individuals affected with TULP1-related conditions. ClinVar contains an entry for this variant (Variation ID: 2888478). An algorithm developed to predict the effect of missense changes on protein structure and function outputs the following: PolyPhen-2: "Benign". The isoleucine amino acid residue is found in multiple mammalian species, which suggests that this missense change does not adversely affect protein function. In summary, the available evidence is currently insufficient to determine the role of this variant in disease. Therefore, it has been classified as a Variant of Uncertain Significance.